The following is an entry in ClinVar:

ClinVar aggregate classification (germline): Uncertain significance (0 of 4 stars; one submission).

Conditions:
TBR1-related disorder. Also called: TBR1-related condition.

Submission:

PreventionGenetics, part of Exact Sciences
Classification: Uncertain significance for TBR1-related condition. Last evaluated: 2023-12-04. Review status: no assertion criteria provided. Collection method: clinical testing. Allele origin: germline.
Comment: The TBR1 c.1363C>T variant is predicted to result in the amino acid substitution p.Pro455Ser. To our knowledge, this variant has not been reported in the literature or in a large population database, indicating this variant is rare. At this time, the clinical significance of this variant is uncertain due to the absence of conclusive functional and genetic evidence.

NM_006593.4(TBR1):c.1363C>T (p.Pro455Ser)

Gene: TBR1 (T-box brain transcription factor 1; plus strand). Cytogenetic location: 2q24.2.
Variant type: single nucleotide variant.
Coding change: c.1363C>T on transcript NM_006593.4 (MANE Select); coding-DNA position 1363, C replaced by T.
Protein change: p.Pro455Ser; replaces proline 455 with serine.
Molecular consequence: missense variant.
Genome position (GRCh38, 1-based): chr2:161,423,541, C>T. VCF-style: chr2-161423541-C-T. GRCh37 (hg19) VCF-style: chr2-162280052-C-T.
Other names: short protein forms P455S.
Identifiers: ClinVar variation 3046449 (VCV003046449.2), dbSNP rs2468099294, ClinGen allele CA349213556.